The following is an entry in ClinVar:

ClinVar aggregate classification (germline): Uncertain significance (1 of 4 stars; one submission).

Conditions:
Dilated cardiomyopathy 1DD (CMD1DD). Identifiers: Orphanet 154, MedGen C2750995, MONDO:0013168, OMIM 613172.

Submission:

Labcorp Genetics (formerly Invitae), Labcorp
Classification: Uncertain significance for Dilated cardiomyopathy 1DD. Last evaluated: 2025-11-11. Review status: criteria provided, single submitter. Criteria: Invitae Variant Classification Sherloc (09022015). Collection method: clinical testing. Allele origin: germline.
Comment: This sequence change replaces proline, which is neutral and non-polar, with histidine, which is basic and polar, at codon 132 of the RBM20 protein (p.Pro132His). This variant is not present in population databases (gnomAD no frequency). This variant has not been reported in the literature in individuals affected with RBM20-related conditions. Invitae Evidence Modeling of protein sequence and biophysical properties (such as structural, functional, and spatial information, amino acid conservation, physicochemical variation, residue mobility, and thermodynamic stability) has been performed for this missense variant. However, the output from this modeling did not meet the statistical confidence thresholds required to predict the impact of this variant on RBM20 protein function. In summary, the available evidence is currently insufficient to determine the role of this variant in disease. Therefore, it has been classified as a Variant of Uncertain Significance.

NM_001134363.3(RBM20):c.395C>A (p.Pro132His)

Gene: RBM20 (RNA binding motif protein 20; plus strand). Cytogenetic location: 10q25.2.
Variant type: single nucleotide variant.
Coding change: c.395C>A on transcript NM_001134363.3 (MANE Select); coding-DNA position 395, C replaced by A.
Protein change: p.Pro132His; replaces proline 132 with histidine.
Molecular consequence: missense variant.
Genome position (GRCh38, 1-based): chr10:110,781,004, C>A. VCF-style: chr10-110781004-C-A. GRCh37 (hg19) VCF-style: chr10-112540762-C-A.
Other names: short protein forms P132H.
Identifiers: ClinVar variation 4802644 (VCV004802644.1).